The following is an entry in ClinVar:

ClinVar aggregate classification (germline): Uncertain significance (1 of 4 stars; one submission).

Conditions:
Cardiovascular phenotype. Identifiers: MedGen CN230736.

Submission:

Ambry Genetics
Classification: Uncertain significance for Cardiovascular phenotype. Last evaluated: 2026-04-11. Review status: criteria provided, single submitter. Criteria: Ambry Variant Classification Scheme 2023. Collection method: clinical testing. Allele origin: germline.
Comment: The p.N832D variant (also known as c.2494A>G), located in coding exon 16 of the CBL gene, results from an A to G substitution at nucleotide position 2494. The asparagine at codon 832 is replaced by aspartic acid, an amino acid with highly similar properties. This amino acid position is conserved. In addition, the in silico prediction for this alteration is inconclusive. Based on the available evidence, the clinical significance of this variant remains unclear.

NM_005188.4(CBL):c.2494A>G (p.Asn832Asp)

Gene: CBL (Cbl proto-oncogene; plus strand). Cytogenetic location: 11q23.3.
Variant type: single nucleotide variant.
Coding change: c.2494A>G on transcript NM_005188.4 (MANE Select); coding-DNA position 2494, A replaced by G.
Protein change: p.Asn832Asp; replaces asparagine 832 with aspartic acid.
Molecular consequence: missense variant.
Genome position (GRCh38, 1-based): chr11:119,299,554, A>G. VCF-style: chr11-119299554-A-G. GRCh37 (hg19) VCF-style: chr11-119170264-A-G.
Other names: short protein forms N832D.
Identifiers: ClinVar variation 4868218 (VCV004868218.1).